The following is an entry in ClinVar:

ClinVar aggregate classification (germline): Uncertain significance (0 of 4 stars; one submission).

Conditions:
MAGEL2-related disorder. Also called: MAGEL2-related condition.

gnomAD v4.1: 1 of 1,612,488 alleles (0.000062%); highest among the groups gnomAD compares: Non-Finnish European, 0.000085%; no homozygotes.

Submission:

PreventionGenetics, part of Exact Sciences
Classification: Uncertain significance for MAGEL2-related condition. Last evaluated: 2024-08-23. Review status: no assertion criteria provided. Collection method: clinical testing. Allele origin: germline.
Comment: The MAGEL2 c.2860A>T variant is predicted to result in the amino acid substitution p.Ile954Phe. To our knowledge, this variant has not been reported in the literature or in a large population database, indicating this variant is rare. At this time, the clinical significance of this variant is uncertain due to the absence of conclusive functional and genetic evidence.

NM_019066.5(MAGEL2):c.2860A>T (p.Ile954Phe)

Gene: MAGEL2 (MAGE family member L2; minus strand). Cytogenetic location: 15q11.2.
Variant type: single nucleotide variant.
Coding change: c.2860A>T on transcript NM_019066.5 (MANE Select); coding-DNA position 2860, A replaced by T.
Protein change: p.Ile954Phe; replaces isoleucine 954 with phenylalanine.
Molecular consequence: missense variant.
Genome position (GRCh38, 1-based): chr15:23,644,883, T>A on the plus strand (A>T on the coding strand, the complement: MAGEL2 is on the minus strand). VCF-style: chr15-23644883-T-A. GRCh37 (hg19) VCF-style: chr15-23890030-T-A.
Other names: short protein forms I954F.
Identifiers: ClinVar variation 3345732 (VCV003345732.1).
Genomic context (GRCh38, chr15:23,644,883, plus strand): 5'-TCGGGCCCTCCCAGGCACTCAGGGCCCAGGATGCGCTGGGCCCTTCCCAGCCACTCAGGA[T>A]CCTGGAGGTGCTAGGGCCCTCCCAACCACTCAGGCCACGGGGGGTGTTTGGGTGCTCCCA-3'
Protein context (NP_061939.3, residues 944-964): SGWEGPSTSR[Ile954Phe]LSGWEGPSAS